The following is an entry in ClinVar:

NM_004656.4(BAP1):c.2065G>C (p.Ala689Pro)

Gene: BAP1 (BRCA1 associated deubiquitinase 1; minus strand). Cytogenetic location: 3p21.1.
Variant type: single nucleotide variant.
Coding change: c.2065G>C on transcript NM_004656.4 (MANE Select); coding-DNA position 2065, G replaced by C.
Protein change: p.Ala689Pro; replaces alanine 689 with proline.
Molecular consequence: missense variant.
Genome position (GRCh38, 1-based): chr3:52,402,413, C>G on the plus strand (G>C on the coding strand, the complement: BAP1 is on the minus strand). VCF-style: chr3-52402413-C-G. GRCh37 (hg19) VCF-style: chr3-52436429-C-G.
Other names: short protein forms A689P.
Identifiers: ClinVar variation 820601 (VCV000820601.4), dbSNP rs1578218248, ClinGen allele CA353094545.

ClinVar aggregate classification (germline): Uncertain significance (1 of 4 stars; one submission).

Conditions:
Hereditary cancer-predisposing syndrome. Also called: Neoplastic Syndromes, Hereditary; Tumor predisposition; Hereditary Cancer Syndrome; Hereditary neoplastic syndrome. Identifiers: Orphanet 140162, MedGen C0027672, MeSH D009386, MONDO:0015356.

Submission:

Ambry Genetics
Classification: Uncertain significance for Hereditary cancer-predisposing syndrome. Last evaluated: 2019-09-23. Review status: criteria provided, single submitter. Criteria: Ambry Variant Classification Scheme 2023. Collection method: clinical testing. Allele origin: germline.
Comment: The p.A689P variant (also known as c.2065G>C), located in coding exon 17 of the BAP1 gene, results from a G to C substitution at nucleotide position 2065. The alanine at codon 689 is replaced by proline, an amino acid with highly similar properties. This amino acid position is highly conserved in available vertebrate species. In addition, the in silico prediction for this alteration is inconclusive. Since supporting evidence is limited at this time, the clinical significance of this alteration remains unclear.